The following is an entry in ClinVar:

ClinVar aggregate classification (germline): Pathogenic (1 of 4 stars; one submission).

Conditions:
Glycogen storage disease type III (GSD3). Also called: Cori disease; FORBES DISEASE. Identifiers: Orphanet 366, MedGen C0017922, MONDO:0009291, OMIM 232400.

Submission:

Labcorp Genetics (formerly Invitae), Labcorp
Classification: Pathogenic for Glycogen storage disease type III. Last evaluated: 2019-09-30. Review status: criteria provided, single submitter. Criteria: Invitae Variant Classification Sherloc (09022015). Collection method: clinical testing. Allele origin: germline.
Comment: For these reasons, this variant has been classified as Pathogenic. Loss-of-function variants in AGL are known to be pathogenic (PMID: 19299494). This variant is not present in population databases (ExAC no frequency). This sequence change creates a premature translational stop signal (p.Asp564Glufs*13) in the AGL gene. It is expected to result in an absent or disrupted protein product.

Literature cited by the submitters: PubMed 19299494.

NM_000642.3(AGL):c.1692del (p.Asp564fs)

Gene: AGL (amylo-alpha-1,6-glucosidase and 4-alpha-glucanotransferase; plus strand). Cytogenetic location: 1p21.2.
Variant type: Deletion.
Coding change: c.1692del on transcript NM_000642.3 (MANE Select); coding-DNA position 1692, one base deleted (C; older notation c.1692delC).
Protein change: p.Asp564fs; shifts the reading frame from aspartic acid 564.
Molecular consequence: frameshift variant.
Genome position (GRCh38, 1-based): chr1:99,880,003, C deleted. VCF-style (leftmost placement, unchanged base first): chr1-99880002-AC-A. GRCh37 (hg19) VCF-style: chr1-100345558-AC-A.
Other names: c.1692delC, p.Asp564Glufs (NM_000028.3, NM_000643.3, NM_000644.3 and 2 more transcripts); c.1644delC, p.Asp548Glufs (NM_000646.3); c.1491delC, p.Asp497Glufs (NM_001425327.1); c.1488delC, p.Asp496Glufs (NM_001425328.1, NM_001425329.1); c.1314delC, p.Asp438Glufs (NM_001425332.1); short protein forms D548fs, D564fs.
Identifiers: ClinVar variation 952511 (VCV000952511.10), dbSNP rs1651877300, ClinGen allele CA1139656245.